The following is an entry in ClinVar:

ClinVar aggregate classification (germline): Uncertain significance. Review status: criteria provided, multiple submitters, no conflicts (2 of 4 stars). 2 submissions from 2 submitters: Uncertain significance (2). Last evaluated 2026-01-26.

Allele frequency attached by ClinVar (database versions not stated): TOPMed below 0.00001.

Submissions (2):

Labcorp Genetics (formerly Invitae), Labcorp
Classification: Uncertain significance. Last evaluated: 2026-01-26. Review status: criteria provided, single submitter. Criteria: Invitae Variant Classification Sherloc (09022015). Collection method: clinical testing. Allele origin: germline.
Comment: This sequence change replaces aspartic acid, which is acidic and polar, with asparagine, which is neutral and polar, at codon 1285 of the NPAT protein (p.Asp1285Asn). This variant is not present in population databases (gnomAD no frequency). This variant has not been reported in the literature in individuals affected with NPAT-related conditions. ClinVar contains an entry for this variant (Variation ID: 3201551). An algorithm developed to predict the effect of missense changes on protein structure and function (PolyPhen-2) suggests that this variant is likely to be disruptive. In summary, the available evidence is currently insufficient to determine the role of this variant in disease. Therefore, it has been classified as a Variant of Uncertain Significance.

Ambry Genetics
Classification: Uncertain significance. Last evaluated: 2024-06-21. Review status: criteria provided, single submitter. Criteria: Ambry Variant Classification Scheme 2023. Collection method: clinical testing. Allele origin: germline.
Comment: The p.D1285N variant (also known as c.3853G>A), located in coding exon 17 of the NPAT gene, results from a G to A substitution at nucleotide position 3853. The aspartic acid at codon 1285 is replaced by asparagine, an amino acid with highly similar properties. This amino acid position is conserved. In addition, this alteration is predicted to be tolerated by in silico analysis. Based on the available evidence, the clinical significance of this variant remains unclear.

NM_002519.3(NPAT):c.3853G>A (p.Asp1285Asn)

Gene: NPAT (nuclear protein, coactivator of histone transcription; minus strand). Cytogenetic location: 11q22.3.
Variant type: single nucleotide variant.
Coding change: c.3853G>A on transcript NM_002519.3 (MANE Select); coding-DNA position 3853, G replaced by A.
Protein change: p.Asp1285Asn; replaces aspartic acid 1285 with asparagine.
Molecular consequence: missense variant.
Genome position (GRCh38, 1-based): chr11:108,161,233, C>T on the plus strand (G>A on the coding strand, the complement: NPAT is on the minus strand). VCF-style: chr11-108161233-C-T. GRCh37 (hg19) VCF-style: chr11-108031960-C-T.
Other names: c.3874G>A, p.Asp1292Asn (NM_001321307.1); short protein forms D1285N, D1292N.
Identifiers: ClinVar variation 3201551 (VCV003201551.3), dbSNP rs2077844679, ClinGen allele CA382509905.